The following is an entry in ClinVar:

ClinVar aggregate classification (germline): Uncertain significance. Review status: criteria provided, multiple submitters, no conflicts (2 of 4 stars). 2 submissions from 2 submitters: Uncertain significance (2). Last evaluated 2025-08-31.

Conditions:
Inborn genetic diseases. Identifiers: MedGen C0950123, MeSH D030342.

gnomAD v4.1: 4 of 1,614,140 alleles (0.00025%); highest among the groups gnomAD compares: East Asian, 0.0067%; no homozygotes.

Submissions (2):

Ambry Genetics
Classification: Uncertain significance for Inborn genetic diseases. Last evaluated: 2025-08-31. Review status: criteria provided, single submitter. Criteria: Ambry Variant Classification Scheme 2023. Collection method: clinical testing. Allele origin: germline.

Labcorp Genetics (formerly Invitae), Labcorp
Classification: Uncertain significance. Last evaluated: 2025-06-03. Review status: criteria provided, single submitter. Criteria: Invitae Variant Classification Sherloc (09022015). Collection method: clinical testing. Allele origin: germline.
Comment: This sequence change replaces histidine, which is basic and polar, with arginine, which is basic and polar, at codon 3068 of the HSPG2 protein (p.His3068Arg). This variant is not present in population databases (gnomAD no frequency). This variant has not been reported in the literature in individuals affected with HSPG2-related conditions. An algorithm developed to predict the effect of missense changes on protein structure and function outputs the following: PolyPhen-2: "Benign". The arginine amino acid residue is found in multiple mammalian species, which suggests that this missense change does not adversely affect protein function. In summary, the available evidence is currently insufficient to determine the role of this variant in disease. Therefore, it has been classified as a Variant of Uncertain Significance.

NM_005529.7(HSPG2):c.9203A>G (p.His3068Arg)

Gene: HSPG2 (heparan sulfate proteoglycan 2; minus strand). Cytogenetic location: 1p36.12.
Variant type: single nucleotide variant.
Coding change: c.9203A>G on transcript NM_005529.7 (MANE Select); coding-DNA position 9203, A replaced by G.
Protein change: p.His3068Arg; replaces histidine 3068 with arginine.
Molecular consequence: missense variant.
Genome position (GRCh38, 1-based): chr1:21,841,664, T>C on the plus strand (A>G on the coding strand, the complement: HSPG2 is on the minus strand). VCF-style: chr1-21841664-T-C. GRCh37 (hg19) VCF-style: chr1-22168157-T-C.
Other names: c.9206A>G, p.His3069Arg (NM_001291860.2); short protein forms H3068R, H3069R.
Identifiers: ClinVar variation 4272706 (VCV004272706.2).